The following is an entry in ClinVar:

ClinVar aggregate classification (germline): Uncertain significance. Review status: criteria provided, multiple submitters, no conflicts (2 of 4 stars). 4 submissions from 4 submitters: Uncertain significance (4). Last evaluated 2025-06-16.

Conditions:
Inborn genetic diseases. Identifiers: MedGen C0950123, MeSH D030342.
Autosomal recessive ataxia, Beauce type. Also called: SYNE1-Related Autosomal Recessive Cerebellar Ataxia; SYNE1 Deficiency; Spinocerebellar ataxia, autosomal recessive 8; ATAXIA, RECESSIVE, OF BEAUCE. Identifiers: Orphanet 88644, MedGen C1853116, MONDO:0012549, OMIM 610743.
Emery-Dreifuss muscular dystrophy 4, autosomal dominant (EDMD4). Also called: EMERY-DREIFUSS MUSCULAR DYSTROPHY 4 WITH VARIABLE FEATURES. Identifiers: Orphanet 261, MedGen C2751807, MONDO:0013071, OMIM 612998.

Allele frequency attached by ClinVar (database versions not stated): gnomAD 0.00003; TOPMed 0.00004; gnomAD exomes below 0.00001; ExAC 0.00001.
gnomAD v4.1: 9 of 1,613,932 alleles (0.00056%); highest among the groups gnomAD compares: African/African-American, 0.0093%; no homozygotes.

Submissions (4):

GeneDx
Classification: Uncertain significance. Last evaluated: 2025-06-16. Review status: criteria provided, single submitter. Criteria: GeneDx Variant Classification Process June 2021. Collection method: clinical testing. Allele origin: germline. Affected: yes.
Comment: In silico analysis supports that this missense variant has a deleterious effect on protein structure/function; Has not been previously published as pathogenic or benign to our knowledge

Labcorp Genetics (formerly Invitae), Labcorp
Classification: Uncertain significance for Emery-Dreifuss muscular dystrophy 4, autosomal dominant; Autosomal recessive ataxia, Beauce type. Last evaluated: 2022-08-21. Review status: criteria provided, single submitter. Criteria: Invitae Variant Classification Sherloc (09022015). Collection method: clinical testing. Allele origin: germline.
Comment: ClinVar contains an entry for this variant (Variation ID: 1351207). In summary, the available evidence is currently insufficient to determine the role of this variant in disease. Therefore, it has been classified as a Variant of Uncertain Significance. Algorithms developed to predict the effect of missense changes on protein structure and function output the following: SIFT: "Tolerated"; PolyPhen-2: "Benign"; Align-GVGD: "Class C0". The glycine amino acid residue is found in multiple mammalian species, which suggests that this missense change does not adversely affect protein function. This variant has not been reported in the literature in individuals affected with SYNE1-related conditions. This variant is present in population databases (rs759479600, gnomAD 0.02%). This sequence change replaces serine, which is neutral and polar, with glycine, which is neutral and non-polar, at codon 7073 of the SYNE1 protein (p.Ser7073Gly).

Ambry Genetics
Classification: Uncertain significance for Inborn genetic diseases. Last evaluated: 2021-08-17. Review status: criteria provided, single submitter. Criteria: Ambry Variant Classification Scheme 2023. Collection method: clinical testing. Allele origin: germline.

Revvity Omics, Revvity
Classification: Uncertain significance. Last evaluated: 2020-07-11. Review status: criteria provided, single submitter. Criteria: ACMG Guidelines, 2015. Collection method: clinical testing. Allele origin: germline.

NM_182961.4(SYNE1):c.21430A>G (p.Ser7144Gly)

Gene: SYNE1 (spectrin repeat containing nuclear envelope protein 1; minus strand). Cytogenetic location: 6q25.2.
Variant type: single nucleotide variant.
Coding change: c.21430A>G on transcript NM_182961.4 (MANE Select); coding-DNA position 21430, A replaced by G.
Protein change: p.Ser7144Gly; replaces serine 7144 with glycine.
Molecular consequence: missense variant.
Genome position (GRCh38, 1-based): chr6:152,224,586, T>C on the plus strand (A>G on the coding strand, the complement: SYNE1 is on the minus strand). VCF-style: chr6-152224586-T-C. GRCh37 (hg19) VCF-style: chr6-152545721-T-C.
Other names: c.21217A>G (NM_033071.3); c.21217A>G, p.Ser7073Gly (NM_033071.5); short protein forms S7144G, S7073G.
Identifiers: ClinVar variation 1351207 (VCV001351207.8), dbSNP rs759479600, ClinGen allele CA4054163.